The following is an entry in ClinVar:

NM_000138.5(FBN1):c.2040A>C (p.Lys680Asn)

Gene: FBN1 (fibrillin 1; minus strand). Cytogenetic location: 15q21.1.
Variant type: single nucleotide variant.
Coding change: c.2040A>C on transcript NM_000138.5 (MANE Select); coding-DNA position 2040, A replaced by C.
Protein change: p.Lys680Asn; replaces lysine 680 with asparagine.
Molecular consequence: missense variant.
Genome position (GRCh38, 1-based): chr15:48,503,860, T>G on the plus strand (A>C on the coding strand, the complement: FBN1 is on the minus strand). VCF-style: chr15-48503860-T-G. GRCh37 (hg19) VCF-style: chr15-48796057-T-G.
Other names: c.2040A>C, p.Lys680Asn (NM_001406716.1); short protein forms K680N.
Identifiers: ClinVar variation 4789667 (VCV004789667.1).
Genomic context (GRCh38, chr15:48,503,860, plus strand): 5'-AGGACACGGCTGGCAAGGTTCCCCAAATGCATACTCAGTGCTGGCGCAACAGCATTCAGA[T>G]TTAGTGACAGCACCAAACAAAGGTTTGATACACTGGCCTCTCTTGTATCCACCATAGCAT-3'
Protein context (NP_000129.3, residues 670-690): CIKPLFGAVT[Lys680Asn]SECCCASTEY

ClinVar aggregate classification (germline): Uncertain significance (1 of 4 stars; one submission).

Conditions:
Marfan syndrome (MFS). Also called: FBN1-Related Marfan Syndrome; MARFAN SYNDROME, TYPE I; Marfan syndrome type 1; Marfan's syndrome; Marfan syndrome, classic. Identifiers: Orphanet 284963, Orphanet 558, MedGen C0024796, MONDO:0007947, OMIM 154700.
Familial thoracic aortic aneurysm and aortic dissection (TAAD). Also called: Thoracic aortic aneurysms and dissections. Identifiers: Orphanet 91387, MedGen C4707243, MONDO:0019625.

Submission:

Labcorp Genetics (formerly Invitae), Labcorp
Classification: Uncertain significance for Marfan syndrome; Familial thoracic aortic aneurysm and aortic dissection. Last evaluated: 2025-04-17. Review status: criteria provided, single submitter. Criteria: Invitae Variant Classification Sherloc (09022015). Collection method: clinical testing. Allele origin: germline.
Comment: This sequence change replaces lysine, which is basic and polar, with asparagine, which is neutral and polar, at codon 680 of the FBN1 protein (p.Lys680Asn). This variant is not present in population databases (gnomAD no frequency). This variant has not been reported in the literature in individuals affected with FBN1-related conditions. Invitae Evidence Modeling of protein sequence and biophysical properties (such as structural, functional, and spatial information, amino acid conservation, physicochemical variation, residue mobility, and thermodynamic stability) has been performed for this missense variant. However, the output from this modeling did not meet the statistical confidence thresholds required to predict the impact of this variant on FBN1 protein function. In summary, the available evidence is currently insufficient to determine the role of this variant in disease. Therefore, it has been classified as a Variant of Uncertain Significance.